The following is an entry in ClinVar:

NM_022124.6(CDH23):c.5025C>T (p.Val1675=)

Gene: CDH23 (cadherin related 23; plus strand). Cytogenetic location: 10q22.1.
Variant type: single nucleotide variant.
Coding change: c.5025C>T on transcript NM_022124.6 (MANE Select); coding-DNA position 5025, C replaced by T.
Protein change: p.Val1675=; no amino-acid change (valine 1675 retained).
Molecular consequence: synonymous variant.
Genome position (GRCh38, 1-based): chr10:71,777,859, C>T. VCF-style: chr10-71777859-C-T. GRCh37 (hg19) VCF-style: chr10-73537616-C-T.
Identifiers: ClinVar variation 227227 (VCV000227227.16), dbSNP rs775157930, ClinGen allele CA5545606.

ClinVar aggregate classification (germline): Likely benign. Review status: criteria provided, multiple submitters, no conflicts (2 of 4 stars). 4 submissions from 4 submitters: Likely benign (4). Last evaluated 2026-07-29.

Conditions:
CDH23-related disorder. Also called: CDH23-related condition; CDH23-related disorders.

Allele frequency attached by ClinVar (database versions not stated): ExAC 0.00002; gnomAD exomes 0.00004 and 0.00010; TOPMed 0.00009.
gnomAD v4.1: 163 of 1,613,802 alleles (0.01%); highest among the groups gnomAD compares: Non-Finnish European, 0.012%; no homozygotes.

Submissions (4):

PreventionGenetics, part of Exact Sciences
Classification: Likely benign for CDH23-related condition. Last evaluated: 2026-07-29. Review status: criteria provided, single submitter. Criteria: ACMG Guidelines, 2015. Collection method: clinical testing. Allele origin: germline.
Comment: This variant is classified as likely benign based on ACMG/AMP sequence variant interpretation guidelines (Richards et al. 2015 PMID: 25741868, with internal and published modifications).

Labcorp Genetics (formerly Invitae), Labcorp
Classification: Likely benign. Last evaluated: 2026-02-01. Review status: criteria provided, single submitter. Criteria: Invitae Variant Classification Sherloc (09022015). Collection method: clinical testing. Allele origin: germline.

Blueprint Genetics
Classification: Likely benign. Last evaluated: 2024-10-03. Review status: criteria provided, single submitter. Criteria: ACMG Guidelines, 2015. Collection method: clinical testing. Allele origin: germline.

Laboratory for Molecular Medicine, Mass General Brigham Personalized Medicine
Classification: Likely benign. Last evaluated: 2015-06-16. Review status: criteria provided, single submitter. Criteria: LMM Criteria. Collection method: clinical testing. Allele origin: germline. Observed: 1 variant allele.
Comment: p.Val1675Val in exon 39 of CDH23: This variant is not expected to have clinical significance because it does not alter an amino acid residue and is not located within the splice consensus sequence. It has been identified in 3/66590 of Europ ean chromosomes by the Exome Aggregation Consortium (ExAC).